The following is an entry in ClinVar:

ClinVar aggregate classification (germline): Uncertain significance. Review status: criteria provided, multiple submitters, no conflicts (2 of 4 stars). 3 submissions from 3 submitters: Uncertain significance (3). Last evaluated 2025-02-15.

Conditions:
Epilepsy, X-linked 1, with variable learning disabilities and behavior disorders. Also called: X-linked epilepsy-learning disabilities-behavior disorders syndrome. Identifiers: Orphanet 85294, MedGen C5774177, MONDO:0010339, OMIM 300491.

gnomAD v4.1: 28 of 1,160,390 alleles (0.0024%); highest among the groups gnomAD compares: Non-Finnish European, 0.0031%; no homozygotes.

Submissions (3):

Labcorp Genetics (formerly Invitae), Labcorp
Classification: Uncertain significance for Epilepsy, X-linked 1, with variable learning disabilities and behavior disorders. Last evaluated: 2025-02-15. Review status: criteria provided, single submitter. Criteria: Invitae Variant Classification Sherloc (09022015). Collection method: clinical testing. Allele origin: germline.
Comment: This sequence change replaces proline, which is neutral and non-polar, with alanine, which is neutral and non-polar, at codon 30 of the SYN1 protein (p.Pro30Ala). This variant is not present in population databases (gnomAD no frequency). This variant has not been reported in the literature in individuals affected with SYN1-related conditions. ClinVar contains an entry for this variant (Variation ID: 1434937). An algorithm developed to predict the effect of missense changes on protein structure and function (PolyPhen-2) suggests that this variant is likely to be disruptive. In summary, the available evidence is currently insufficient to determine the role of this variant in disease. Therefore, it has been classified as a Variant of Uncertain Significance.

GeneDx
Classification: Uncertain significance. Last evaluated: 2022-07-25. Review status: criteria provided, single submitter. Criteria: GeneDx Variant Classification Process June 2021. Collection method: clinical testing. Allele origin: germline. Affected: yes.
Comment: In silico analysis supports that this missense variant has a deleterious effect on protein structure/function; Not observed at significant frequency in large population cohorts (gnomAD); Has not been previously published as pathogenic or benign to our knowledge

Blueprint Genetics
Classification: Uncertain significance. Last evaluated: 2022-01-20. Review status: criteria provided, single submitter. Criteria: ACMG Guidelines, 2015. Collection method: clinical testing. Allele origin: germline.

NM_006950.3(SYN1):c.88C>G (p.Pro30Ala)

Gene: SYN1 (synapsin I; minus strand). Cytogenetic location: Xp11.23.
Variant type: single nucleotide variant.
Coding change: c.88C>G on transcript NM_006950.3 (MANE Select); coding-DNA position 88, C replaced by G.
Protein change: p.Pro30Ala; replaces proline 30 with alanine.
Molecular consequence: missense variant.
Genome position (GRCh38, 1-based): chrX:47,619,641, G>C on the plus strand (C>G on the coding strand, the complement: SYN1 is on the minus strand). VCF-style: chrX-47619641-G-C. GRCh37 (hg19) VCF-style: chrX-47479040-G-C.
Other names: c.88C>G, p.Pro30Ala (NM_133499.2); short protein forms P30A.
Identifiers: ClinVar variation 1434937 (VCV001434937.13), dbSNP rs2147933540, ClinGen allele CA412832151.